The following is an entry in ClinVar:

NM_001130987.2(DYSF):c.3477G>A (p.Thr1159=)

Gene: DYSF (dysferlin; plus strand). Cytogenetic location: 2p13.2.
Variant type: single nucleotide variant.
Coding change: c.3477G>A on transcript NM_001130987.2 (MANE Select); coding-DNA position 3477, G replaced by A.
Protein change: p.Thr1159=; no amino-acid change (threonine 1159 retained).
Molecular consequence: synonymous variant.
Genome position (GRCh38, 1-based): chr2:71,589,667, G>A. VCF-style: chr2-71589667-G-A. GRCh37 (hg19) VCF-style: chr2-71816797-G-A.
Other names: c.3426G>A, p.Thr1142= (NM_001130455.2, NM_001130983.2); c.3381G>A, p.Thr1127= (NM_001130976.2, NM_001130977.2); c.3423G>A, p.Thr1141= (NM_001130978.2, NM_003494.4); c.3516G>A, p.Thr1172= (NM_001130979.2); c.3474G>A, p.Thr1158= (NM_001130980.2, NM_001130981.2); c.3519G>A, p.Thr1173= (NM_001130982.2); c.3384G>A, p.Thr1128= (NM_001130984.2, NM_001130986.2); c.3477G>A, p.Thr1159= (NM_001130985.2).
Identifiers: ClinVar variation 210899 (VCV000210899.18), dbSNP rs576460368, ClinGen allele CA208352.

ClinVar aggregate classification (germline): Conflicting classifications of pathogenicity. Review status: criteria provided, conflicting classifications (1 of 4 stars). 5 submissions from 5 submitters: Uncertain significance (1); Likely benign (2). 2 of the submissions do not count toward it. Last evaluated 2026-01-11.

Conditions:
DYSF-related disorder. Also called: DYSF-related condition; DYSF-related disorders.
Neuromuscular disease caused by qualitative or quantitative defects of dysferlin. Also called: Dysferlinopathy; Qualitative or quantitative defects of dysferlin. Identifiers: Orphanet 207073, MedGen C2931687, MONDO:0016145.
Autosomal recessive limb-girdle muscular dystrophy type 2B (LGMDR2). Also called: Limb-girdle muscular dystrophy, type 2B; MUSCULAR DYSTROPHY, LIMB-GIRDLE, AUTOSOMAL RECESSIVE 2; Limb-Girdle Muscular Dystrophy Type 2B (LGMD2B); MUSCULAR DYSTROPHY, LIMB-GIRDLE, TYPE 3. Identifiers: Orphanet 268, MedGen C1850889, MONDO:0009676, OMIM 253601.

Allele frequency attached by ClinVar (database versions not stated): gnomAD 0.00001; gnomAD exomes 0.00001; ExAC 0.00002; 1000 Genomes Project 30x 0.00031; 1000 Genomes Project 0.00040.
gnomAD v4.1: 11 of 1,614,128 alleles (0.00068%); highest among the groups gnomAD compares: Middle Eastern, 0.016%; no homozygotes.

Submissions (5):

Labcorp Genetics (formerly Invitae), Labcorp
Classification: Likely benign for Neuromuscular disease caused by qualitative or quantitative defects of dysferlin. Last evaluated: 2026-01-11. Review status: criteria provided, single submitter. Criteria: Invitae Variant Classification Sherloc (09022015). Collection method: clinical testing. Allele origin: germline.

Blueprint Genetics
Classification: Likely benign. Last evaluated: 2022-04-29. Review status: criteria provided, single submitter. Criteria: ACMG Guidelines, 2015. Collection method: clinical testing. Allele origin: germline.

Genetic Services Laboratory, University of Chicago
Classification: Uncertain significance. Last evaluated: 2015-01-20. Review status: criteria provided, single submitter. Criteria: ACMG Guidelines, 2015. Collection method: clinical testing. Allele origin: germline.

PreventionGenetics, part of Exact Sciences
Classification: Likely benign for DYSF-related condition. Last evaluated: 2022-03-22. Review status: no assertion criteria provided. Collection method: clinical testing. Allele origin: germline. Not counted in ClinVar's aggregate classification.
Comment: This variant is classified as likely benign based on ACMG/AMP sequence variant interpretation guidelines (Richards et al. 2015 PMID: 25741868, with internal and published modifications).

Counsyl
Classification: Likely benign for Autosomal recessive limb-girdle muscular dystrophy type 2B. Last evaluated: 2017-01-05. Review status: no assertion criteria provided. Collection method: clinical testing. Allele origin: unknown. Not counted in ClinVar's aggregate classification.